The following is an entry in ClinVar:

ClinVar aggregate classification (germline): Uncertain significance. Review status: criteria provided, multiple submitters, no conflicts (2 of 4 stars). 2 submissions from 2 submitters: Uncertain significance (2). Last evaluated 2025-10-09.

Conditions:
Inborn genetic diseases. Identifiers: MedGen C0950123, MeSH D030342.
Polyglandular autoimmune syndrome, type 1 (APS1). Also called: Autoimmune polyendocrinopathy syndrome , type I, with or without reversible metaphyseal dysplasia; HYPOADRENOCORTICISM WITH HYPOPARATHYROIDISM AND SUPERFICIAL MONILIASIS; PGA I; Autoimmune polyendocrine syndrome type 1; Autoimmune polyendocrinopathy syndrome, type I; AUTOIMMUNE POLYENDOCRINE SYNDROME, TYPE I, WITH OR WITHOUT REVERSIBLE METAPHYSEAL DYSPLASIA. Identifiers: Orphanet 3453, MedGen C0085859, MONDO:0009411, OMIM 240300.

gnomAD v4.1: 3 of 1,612,490 alleles (0.00019%); highest among the groups gnomAD compares: African/African-American, 0.0013%; no homozygotes.

Submissions (2):

Labcorp Genetics (formerly Invitae), Labcorp
Classification: Uncertain significance for Polyglandular autoimmune syndrome, type 1. Last evaluated: 2025-10-09. Review status: criteria provided, single submitter. Criteria: Invitae Variant Classification Sherloc (09022015). Collection method: clinical testing. Allele origin: germline.
Comment: This sequence change replaces glycine, which is neutral and non-polar, with serine, which is neutral and polar, at codon 387 of the AIRE protein (p.Gly387Ser). This variant is not present in population databases (gnomAD no frequency). This variant has not been reported in the literature in individuals affected with AIRE-related conditions. ClinVar contains an entry for this variant (Variation ID: 2144572). Invitae Evidence Modeling of protein sequence and biophysical properties (such as structural, functional, and spatial information, amino acid conservation, physicochemical variation, residue mobility, and thermodynamic stability) indicates that this missense variant is not expected to disrupt AIRE protein function with a negative predictive value of 95%. In summary, the available evidence is currently insufficient to determine the role of this variant in disease. Therefore, it has been classified as a Variant of Uncertain Significance.

Ambry Genetics
Classification: Uncertain significance for Inborn genetic diseases. Last evaluated: 2022-04-27. Review status: criteria provided, single submitter. Criteria: Ambry Variant Classification Scheme 2023. Collection method: clinical testing. Allele origin: germline.

NM_000383.4(AIRE):c.1159G>A (p.Gly387Ser)

Gene: AIRE (autoimmune regulator; plus strand). Cytogenetic location: 21q22.3.
Variant type: single nucleotide variant.
Coding change: c.1159G>A on transcript NM_000383.4 (MANE Select); coding-DNA position 1159, G replaced by A.
Protein change: p.Gly387Ser; replaces glycine 387 with serine.
Molecular consequence: missense variant.
Genome position (GRCh38, 1-based): chr21:44,293,056, G>A. VCF-style: chr21-44293056-G-A. GRCh37 (hg19) VCF-style: chr21-45712939-G-A.
Other names: short protein forms G387S.
Identifiers: ClinVar variation 2144572 (VCV002144572.3), dbSNP rs540601109, ClinGen allele CA321795123.